The following is an entry in ClinVar:

NM_000138.5(FBN1):c.2025T>C (p.Phe675=)

Gene: FBN1 (fibrillin 1; minus strand). Cytogenetic location: 15q21.1.
Variant type: single nucleotide variant.
Coding change: c.2025T>C on transcript NM_000138.5 (MANE Select); coding-DNA position 2025, T replaced by C.
Protein change: p.Phe675=; no amino-acid change (phenylalanine 675 retained).
Molecular consequence: synonymous variant.
Genome position (GRCh38, 1-based): chr15:48,503,875, A>G on the plus strand (T>C on the coding strand, the complement: FBN1 is on the minus strand). VCF-style: chr15-48503875-A-G. GRCh37 (hg19) VCF-style: chr15-48796072-A-G.
Other names: c.2025T>C, p.Phe675= (NM_001406716.1).
Identifiers: ClinVar variation 3073338 (VCV003073338.1), dbSNP rs2505591198, ClinGen allele CA490024202.
Genomic context (GRCh38, chr15:48,503,875, plus strand): 5'-AGGTTCCCCAAATGCATACTCAGTGCTGGCGCAACAGCATTCAGATTTAGTGACAGCACC[A>G]AACAAAGGTTTGATACACTGGCCTCTCTTGTATCCACCATAGCATGTGCTCCGCATGTGT-3'
Protein context (NP_000129.3, residues 665-685): YKRGQCIKPL[Phe675=]GAVTKSECCC

ClinVar aggregate classification (germline): Likely benign (1 of 4 stars; one submission).

Conditions:
Marfan syndrome (MFS). Also called: MARFAN SYNDROME, TYPE I; Marfan syndrome type 1; Marfan's syndrome; Marfan syndrome, classic; FBN1-Related Marfan Syndrome. Identifiers: Orphanet 284963, Orphanet 558, MedGen C0024796, MONDO:0007947, OMIM 154700.

Submission:

All of Us Research Program, National Institutes of Health
Classification: Likely benign for Marfan syndrome. Last evaluated: 2023-09-04. Review status: criteria provided, single submitter. Criteria: ACMG Guidelines, 2015. Collection method: clinical testing. Allele origin: germline. Inheritance: Autosomal dominant inheritance. Observed: 1 variant allele, 1 heterozygote.
Comment: This study involves interpretation of variants in research participants for the purpose of population health screening. Participant phenotype was not available at the time of variant classification. Additional details can be found in publication PMID: 35346344, PMCID: PMC8962531